The following is an entry in ClinVar:

NM_001278116.2(L1CAM):c.294G>A (p.Thr98=)

Gene: L1CAM (L1 cell adhesion molecule; minus strand). Cytogenetic location: Xq28.
Variant type: single nucleotide variant.
Coding change: c.294G>A on transcript NM_001278116.2 (MANE Select); coding-DNA position 294, G replaced by A.
Protein change: p.Thr98=; no amino-acid change (threonine 98 retained).
Molecular consequence: synonymous variant.
Genome position (GRCh38, 1-based): chrX:153,872,258, C>T on the plus strand (G>A on the coding strand, the complement: L1CAM is on the minus strand). VCF-style: chrX-153872258-C-T. GRCh37 (hg19) VCF-style: chrX-153137713-C-T.
Other names: c.294G>A, p.Thr98= (NM_000425.5, NM_024003.3); c.279G>A, p.Thr93= (NM_001143963.2).
Identifiers: ClinVar variation 256046 (VCV000256046.25), dbSNP rs4898371, ClinGen allele CA10554618.

ClinVar aggregate classification (germline): Benign/Likely benign. Review status: criteria provided, multiple submitters, no conflicts (2 of 4 stars). 5 submissions from 5 submitters: Benign (2); Likely benign (3). Last evaluated 2026-09-01.

Conditions:
Inborn genetic diseases. Identifiers: MedGen C0950123, MeSH D030342.
Spastic paraplegia. Identifiers: MedGen C0037772, HP:0001258.

Allele frequency attached by ClinVar (database versions not stated): gnomAD exomes 0.00012 and 0.00055; gnomAD 0.00014; TOPMed 0.00033; ExAC 0.00048.
gnomAD v4.1: 146 of 1,205,170 alleles (0.012%); highest among the groups gnomAD compares: Admixed American, 0.25%; no homozygotes.

Submissions (5):

CeGaT Center for Human Genetics Tuebingen
Classification: Likely benign. Last evaluated: 2026-09-01. Review status: criteria provided, single submitter. Criteria: CeGaT Center For Human Genetics Tuebingen Variant Classification Criteria Version 2. Collection method: clinical testing. Allele origin: germline. Affected: yes. Observed: 3 variant alleles.
Comment: L1CAM: BP4, BP7, BS2

Labcorp Genetics (formerly Invitae), Labcorp
Classification: Benign for Spastic paraplegia. Last evaluated: 2026-01-28. Review status: criteria provided, single submitter. Criteria: Invitae Variant Classification Sherloc (09022015). Collection method: clinical testing. Allele origin: germline.

Ambry Genetics
Classification: Likely benign for Inborn genetic diseases. Last evaluated: 2016-12-19. Review status: criteria provided, single submitter. Criteria: Ambry Variant Classification Scheme 2023. Collection method: clinical testing. Allele origin: germline.

GeneDx
Classification: Benign. Last evaluated: 2015-03-03. Review status: criteria provided, single submitter. Criteria: GeneDx Variant Classification Process June 2021. Collection method: clinical testing. Allele origin: germline. Affected: yes.

PreventionGenetics, part of Exact Sciences
Classification: Likely benign. Review status: criteria provided, single submitter. Criteria: ACMG Guidelines, 2015. Collection method: clinical testing. Allele origin: germline.